The following is an entry in ClinVar:

ClinVar aggregate classification (germline): Pathogenic. Review status: criteria provided, multiple submitters, no conflicts (2 of 4 stars). 10 submissions from 10 submitters: Pathogenic (7). 3 of the submissions do not count toward it. Last evaluated 2025-11-18.

Conditions:
Cardiovascular phenotype. Identifiers: MedGen CN230736.
Primary familial hypertrophic cardiomyopathy (HCM). Identifiers: Orphanet 99739, MedGen C0949658, MeSH D024741, MONDO:0024573. Inheritance: Various modes of inheritance.
Hypertrophic cardiomyopathy 4. Also called: Familial hypertrophic cardiomyopathy 4. Identifiers: MedGen C1861862, MONDO:0007268, OMIM 115197.
Hypertrophic cardiomyopathy. Also called: HYPERTROPHIC MYOCARDIOPATHY. Identifiers: Orphanet 217569, MedGen C0007194, MeSH D002312, MONDO:0005045, HP:0001639.

gnomAD v4.1: 2 of 1,584,392 alleles (0.00013%); highest among the groups gnomAD compares: Non-Finnish European, 0.00017%; no homozygotes.

Submissions (10):

Labcorp Genetics (formerly Invitae), Labcorp
Classification: Pathogenic for Hypertrophic cardiomyopathy. Last evaluated: 2025-11-18. Review status: criteria provided, single submitter. Criteria: Invitae Variant Classification Sherloc (09022015). Collection method: clinical testing. Allele origin: germline.
Comment: This sequence change creates a premature translational stop signal (p.Ser311*) in the MYBPC3 gene. It is expected to result in an absent or disrupted protein product. Loss-of-function variants in MYBPC3 are known to be pathogenic (PMID: 19574547). This variant is not present in population databases (gnomAD no frequency). This premature translational stop signal has been observed in individual(s) with MYBPC3-related conditions (PMID: 18258667, 22115648, 27532257, 29447731). ClinVar contains an entry for this variant (Variation ID: 36615). For these reasons, this variant has been classified as Pathogenic.

All of Us Research Program, National Institutes of Health
Classification: Pathogenic for Hypertrophic cardiomyopathy. Last evaluated: 2024-02-05. Review status: criteria provided, single submitter. Criteria: ACMG Guidelines, 2015. Collection method: clinical testing. Allele origin: germline. Inheritance: Autosomal dominant inheritance. Observed: 1 variant allele, 1 heterozygote.
Comment: This variant changes 1 nucleotide in exon 12 of the MYBPC3 gene, creating a premature translation stop signal. This variant is expected to result in an absent or non-functional protein product. This variant has been reported in at least five individuals affected with hypertrophic cardiomyopathy (PMID: 22115648, 24111713, 25611685, 27532257, 32841044, 33495596). This variant has also been reported in two individuals from one family affected with noncompaction cardiomyopathy (PMID: 29447731). This variant has not been identified in the general population by the Genome Aggregation Database (gnomAD). Loss of MYBPC3 function is a known mechanism of disease. Based on the available evidence, this variant is classified as Pathogenic.

This study involves interpretation of variants in research participants for the purpose of population health screening. Participant phenotype was not available at the time of variant classification. Additional details can be found in publication PMID: 35346344, PMCID: PMC8962531

Ambry Genetics
Classification: Pathogenic for Cardiovascular phenotype. Last evaluated: 2022-11-03. Review status: criteria provided, single submitter. Criteria: Ambry Variant Classification Scheme 2023. Collection method: clinical testing. Allele origin: germline.
Comment: The p.S311* pathogenic mutation (also known as c.932C>A), located in coding exon 12 of the MYBPC3 gene, results from a C to A substitution at nucleotide position 932. This changes the amino acid from a serine to a stop codon within coding exon 12. This alteration has been reported in association with hypertrophic cardiomyopathy (HCM) (Waldm&uuml;ller S et al. Clin. Chem., 2008 Apr;54:682-7; Nannenberg EA et al. J. Am. Coll. Cardiol., 2011 Nov;58:2406-14; Walsh R et al. Genet. Med., 2017 02;19:192-203; van Waning JI et al. J. Am. Coll. Cardiol., 2018 Feb;71:711-722). This variant is considered to be rare based on population cohorts in the Genome Aggregation Database (gnomAD). In addition to the clinical data presented in the literature, this alteration is expected to result in loss of function by premature protein truncation or nonsense-mediated mRNA decay. As such, this alteration is interpreted as a disease-causing mutation.

GeneDx
Classification: Pathogenic. Last evaluated: 2020-11-10. Review status: criteria provided, single submitter. Criteria: GeneDx Variant Classification Process June 2021. Collection method: clinical testing. Allele origin: germline. Affected: yes.
Comment: Reported in assocation with HCM and one patient with DCM; one patient with childhood onset HCM harbored another variant in the MYBPC3 gene (Waldmller et al., 2008; Berge et al., 2014; Walsh et al., 2017; van Waning et al., 2018); Not observed in large population cohorts (Lek et al., 2016); Nonsense variant predicted to result in protein truncation or nonsense mediated decay in a gene for which loss-of-function is a known mechanism of disease; Reported in ClinVar as pathogenic (ClinVar Variant ID# 36615; Landrum et al., 2016); This variant is associated with the following publications: (PMID: 29447731, 27532257, 20019025, 18258667, 24111713, 22115648)

Women's Health and Genetics/Laboratory Corporation of America, LabCorp
Classification: Pathogenic for Primary familial hypertrophic cardiomyopathy. Last evaluated: 2019-01-17. Review status: criteria provided, single submitter. Criteria: LabCorp Variant Classification Summary - May 2015. Collection method: clinical testing. Allele origin: germline.
Comment: Variant summary: MYBPC3 c.932C>A (p.Ser311X) results in a premature termination codon, predicted to cause a truncation of the encoded protein or absence of the protein due to nonsense mediated decay, which are commonly known mechanisms for disease. The variant was absent in 203230 control chromosomes (gnomAD). c.932C>A has been reported in the literature in individuals affected with Hypertrophic Cardiomyopathy (Waldmuller 2008, Berge 2013, Nannenberg 2011, Walsh 2017). These data indicate that the variant is likely to be associated with disease. To our knowledge, no experimental evidence demonstrating an impact on protein function has been reported. Three ClinVar submissions from other clinical diagnostic laboratories (evaluation after 2014) cite the variant as pathogenic. Based on the evidence outlined above, the variant was classified as pathogenic.

Clinical Genetics DNA and cytogenetics Diagnostics Lab, Erasmus MC, Erasmus Medical Center
Classification: Pathogenic for Hypertrophic cardiomyopathy 4. Last evaluated: 2015-09-21. Review status: criteria provided, single submitter. Criteria: ACGS Guidelines, 2013. Collection method: clinical testing. Allele origin: germline. Affected: yes. Study: VKGL Data-share Consensus.

Laboratory for Molecular Medicine, Mass General Brigham Personalized Medicine
Classification: Pathogenic for Hypertrophic cardiomyopathy. Last evaluated: 2015-01-14. Review status: criteria provided, single submitter. Criteria: LMM Criteria. Collection method: clinical testing. Allele origin: germline. Inheritance: Autosomal dominant inheritance. Observed: 4 variant alleles.
Comment: The p.Ser311X variant in MYBPC3 has been reported in 4 individuals with HCM (Wal dmuller 2008, Nannenberg 2011, Hoedemaekers 2011- in: Michels 2011, doctoral the sis) and was absent from large population studies. This nonsense var iant leads to a premature termination codon at position 311, which is predicted to lead to a truncated or absent protein. Heterozygous loss-of-function of the M YBPC3 gene is an established disease mechanism in individuals with HCM. In summa ry, this variant meets our criteria to be classified as pathogenic (.) based on the predicted impact of the variant.

Clinical Genetics, Academic Medical Center
Classification: Pathogenic. Review status: no assertion criteria provided. Collection method: clinical testing. Allele origin: germline. Affected: yes. Study: VKGL Data-share Consensus. Not counted in ClinVar's aggregate classification.

Diagnostic Laboratory, Department of Genetics, University Medical Center Groningen
Classification: Pathogenic for Hypertrophic cardiomyopathy 4. Review status: no assertion criteria provided. Collection method: clinical testing. Allele origin: germline. Affected: yes. Study: VKGL Data-share Consensus. Not counted in ClinVar's aggregate classification.

Genome Diagnostics Laboratory, University Medical Center Utrecht
Classification: Pathogenic. Review status: no assertion criteria provided. Collection method: clinical testing. Allele origin: germline. Affected: yes. Study: VKGL Data-share Consensus. Not counted in ClinVar's aggregate classification.

Literature cited by the submitters: PubMed 19574547 (cited by Labcorp Genetics (formerly Invitae), Labcorp); PubMed 18258667 (cited by 4 submitters); PubMed 22115648 (cited by 5 submitters); PubMed 27532257 (cited by 4 submitters); PubMed 29447731 (cited by 3 submitters); PubMed 24111713 (cited by All of Us Research Program, National Institutes of Health and Women's Health and Genetics/Laboratory Corporation of America, LabCorp); PubMed 25611685 (cited by All of Us Research Program, National Institutes of Health); PubMed 32841044 (cited by All of Us Research Program, National Institutes of Health); PubMed 33495596 (cited by All of Us Research Program, National Institutes of Health); PubMed 20019025 (cited by Women's Health and Genetics/Laboratory Corporation of America, LabCorp).

NM_000256.3(MYBPC3):c.932C>A (p.Ser311Ter)

Gene: MYBPC3 (myosin binding protein C3; minus strand). Cytogenetic location: 11p11.2.
Variant type: single nucleotide variant.
Coding change: c.932C>A on transcript NM_000256.3 (MANE Select); coding-DNA position 932, C replaced by A.
Protein change: p.Ser311Ter; replaces serine 311 with a stop codon.
Molecular consequence: nonsense.
Genome position (GRCh38, 1-based): chr11:47,346,365, G>T on the plus strand (C>A on the coding strand, the complement: MYBPC3 is on the minus strand). VCF-style: chr11-47346365-G-T. GRCh37 (hg19) VCF-style: chr11-47367916-G-T.
Other names: p.S311*:TCG>TAG; short protein forms S311*.
Identifiers: ClinVar variation 36615 (VCV000036615.24), dbSNP rs193922386, ClinGen allele CA016142.